The following is an entry in ClinVar:

ClinVar aggregate classification (germline): Uncertain significance. Review status: criteria provided, multiple submitters, no conflicts (2 of 4 stars). 2 submissions from 2 submitters: Uncertain significance (2). Last evaluated 2025-04-07.

Allele frequency attached by ClinVar (database versions not stated): gnomAD 0.00007 and 0.00009; TOPMed 0.00007; ESP Exome Variant Server 0.00008.
gnomAD v4.1: 31 of 1,613,864 alleles (0.0019%); highest among the groups gnomAD compares: African/African-American, 0.031%; no homozygotes.

Submissions (2):

Labcorp Genetics (formerly Invitae), Labcorp
Classification: Uncertain significance. Last evaluated: 2025-04-07. Review status: criteria provided, single submitter. Criteria: Invitae Variant Classification Sherloc (09022015). Collection method: clinical testing. Allele origin: germline.
Comment: This sequence change affects codon 1134 of the ADAMTS18 mRNA. It is a 'silent' change, meaning that it does not change the encoded amino acid sequence of the ADAMTS18 protein. This variant also falls at the last nucleotide of exon 21, which is part of the consensus splice site for this exon. This variant is present in population databases (rs146829994, gnomAD 0.04%). This variant has not been reported in the literature in individuals affected with ADAMTS18-related conditions. ClinVar contains an entry for this variant (Variation ID: 1001944). Variants that disrupt the consensus splice site are a relatively common cause of aberrant splicing (PMID: 17576681, 9536098). Algorithms developed to predict the effect of sequence changes on RNA splicing suggest that this variant may disrupt the consensus splice site. In summary, the available evidence is currently insufficient to determine the role of this variant in disease. Therefore, it has been classified as a Variant of Uncertain Significance.

Blueprint Genetics
Classification: Uncertain significance. Last evaluated: 2022-08-25. Review status: criteria provided, single submitter. Criteria: ACMG Guidelines, 2015. Collection method: clinical testing. Allele origin: germline.

Literature cited by the submitters: PubMed 17576681 (cited by Labcorp Genetics (formerly Invitae), Labcorp); PubMed 9536098 (cited by Labcorp Genetics (formerly Invitae), Labcorp).

NM_199355.4(ADAMTS18):c.3402G>A (p.Gln1134=)

Gene: ADAMTS18 (ADAM metallopeptidase with thrombospondin type 1 motif 18; minus strand). Cytogenetic location: 16q23.1.
Variant type: single nucleotide variant.
Coding change: c.3402G>A on transcript NM_199355.4 (MANE Select); coding-DNA position 3402, G replaced by A.
Protein change: p.Gln1134=; no amino-acid change (glutamine 1134 retained).
Molecular consequence: synonymous variant.
Genome position (GRCh38, 1-based): chr16:77,291,266, C>T on the plus strand (G>A on the coding strand, the complement: ADAMTS18 is on the minus strand). VCF-style: chr16-77291266-C-T. GRCh37 (hg19) VCF-style: chr16-77325163-C-T.
Other names: c.2886G>A, p.Gln962= (NM_001326358.2).
Identifiers: ClinVar variation 1001944 (VCV001001944.6), dbSNP rs146829994, ClinGen allele CA8180474.
Genomic context (GRCh38, chr16:77,291,266, plus strand): 5'-AACGCCTCATTTTTCGACATCTCACTTGAATAGACACCTCCTCAATCGGCCTGTACCCAC[C>T]TGCTGCCACGGCAATGAATACCATCCAGCTACCATGTTGTACACTGGATGGGCTGGGCAA-3'
Protein context (NP_955387.1, residues 1124-1144): VAGWYSLPWQ[Gln1134=]CTVTCGGGVQ